The following is an entry in ClinVar:

NM_004525.3(LRP2):c.3721G>T (p.Gly1241Cys)

Gene: LRP2 (LDL receptor related protein 2; minus strand). Cytogenetic location: 2q31.1.
Variant type: single nucleotide variant.
Coding change: c.3721G>T on transcript NM_004525.3 (MANE Select); coding-DNA position 3721, G replaced by T.
Protein change: p.Gly1241Cys; replaces glycine 1241 with cysteine.
Molecular consequence: missense variant.
Genome position (GRCh38, 1-based): chr2:169,241,312, C>A on the plus strand (G>T on the coding strand, the complement: LRP2 is on the minus strand). VCF-style: chr2-169241312-C-A. GRCh37 (hg19) VCF-style: chr2-170097822-C-A.
Other names: c.3721G>T (NM_004525.2); short protein forms G1241C.
Identifiers: ClinVar variation 1472076 (VCV001472076.7), dbSNP rs1187539374, ClinGen allele CA11166345.

ClinVar aggregate classification (germline): Uncertain significance. Review status: criteria provided, multiple submitters, no conflicts (2 of 4 stars). 4 submissions from 4 submitters: Uncertain significance (4). Last evaluated 2024-06-07.

Conditions:
Inborn genetic diseases. Identifiers: MedGen C0950123, MeSH D030342.
Donnai-Barrow syndrome. Also called: DBS/FOAR SYNDROME; FACIOOCULOACOUSTICORENAL SYNDROME. Identifiers: Orphanet 2143, MedGen C1857277, MONDO:0009104, OMIM 222448.

Allele frequency attached by ClinVar (database versions not stated): gnomAD 0.00001; gnomAD exomes 0.00001; TOPMed 0.00002.
gnomAD v4.1: 6 of 1,614,044 alleles (0.00037%); highest among the groups gnomAD compares: Admixed American, 0.005%; no homozygotes.

Submissions (4):

Ambry Genetics
Classification: Uncertain significance for Inborn genetic diseases. Last evaluated: 2024-06-07. Review status: criteria provided, single submitter. Criteria: Ambry Variant Classification Scheme 2023. Collection method: clinical testing. Allele origin: germline.

Fulgent Genetics
Classification: Uncertain significance for Donnai-Barrow syndrome. Last evaluated: 2024-02-06. Review status: criteria provided, single submitter. Criteria: ACMG Guidelines, 2015. Collection method: clinical testing. Allele origin: germline.

Labcorp Genetics (formerly Invitae), Labcorp
Classification: Uncertain significance. Last evaluated: 2022-09-27. Review status: criteria provided, single submitter. Criteria: Invitae Variant Classification Sherloc (09022015). Collection method: clinical testing. Allele origin: germline.
Comment: This sequence change replaces glycine, which is neutral and non-polar, with cysteine, which is neutral and slightly polar, at codon 1241 of the LRP2 protein (p.Gly1241Cys). This variant is present in population databases (no rsID available, gnomAD 0.006%). This variant has not been reported in the literature in individuals affected with LRP2-related conditions. ClinVar contains an entry for this variant (Variation ID: 1472076). Advanced modeling of protein sequence and biophysical properties (such as structural, functional, and spatial information, amino acid conservation, physicochemical variation, residue mobility, and thermodynamic stability) performed at Invitae indicates that this missense variant is expected to disrupt LRP2 protein function. In summary, the available evidence is currently insufficient to determine the role of this variant in disease. Therefore, it has been classified as a Variant of Uncertain Significance.

Blueprint Genetics
Classification: Uncertain significance. Last evaluated: 2019-06-13. Review status: criteria provided, single submitter. Criteria: ACMG Guidelines, 2015. Collection method: clinical testing. Allele origin: germline.